The following is an entry in ClinVar:

ClinVar aggregate classification (germline): Pathogenic. Review status: criteria provided, single submitter (1 of 4 stars). 2 submissions from 2 submitters: Pathogenic (1). 1 of the submissions does not count toward it. Last evaluated 2019-05-31.

Conditions:
Cystinosis. Also called: Cystine diathesis; Cystine storage disease; Cystinoses. Identifiers: Orphanet 213, MedGen C4316899, MONDO:0016239.
Inborn genetic diseases. Identifiers: MedGen C0950123, MeSH D030342.
Ocular cystinosis. Also called: Non-Nephropathic Cystinosis; Non-Nephropathic (Ocular) Cystinosis. Identifiers: Orphanet 213, Orphanet 411641, MedGen C2931013, MONDO:0009064, OMIM 219750.
Juvenile nephropathic cystinosis. Also called: Intermediate Cystinosis; CYSTINOSIS, LATE-ONSET JUVENILE OR ADOLESCENT NEPHROPATHIC TYPE; Later-Onset (Juvenile) Cystinosis. Identifiers: Orphanet 213, Orphanet 411634, MedGen C0268626, MONDO:0009066, OMIM 219900.

Submissions (2):

Labcorp Genetics (formerly Invitae), Labcorp
Classification: Pathogenic for Inborn genetic diseases; Ocular cystinosis; Juvenile nephropathic cystinosis. Last evaluated: 2019-05-31. Review status: criteria provided, single submitter. Criteria: Invitae Variant Classification Sherloc (09022015). Collection method: clinical testing. Allele origin: germline.
Comment: For these reasons, this variant has been classified as Pathogenic. Loss-of-function variants in CTNS are known to be pathogenic (PMID: 9537412, 27102039). This variant has been observed an individual affected with nephropathic cystinosis (PMID: 30949462). This variant is not present in population databases (ExAC no frequency). This sequence change creates a premature translational stop signal (p.Gln145*) in the CTNS gene. It is expected to result in an absent or disrupted protein product.

Natera, Inc.
Classification: Pathogenic for Cystinosis. Last evaluated: 2020-12-27. Review status: no assertion criteria provided. Collection method: clinical testing. Allele origin: germline. Not counted in ClinVar's aggregate classification.

Literature cited by the submitters: PubMed 9537412 (cited by Labcorp Genetics (formerly Invitae), Labcorp); PubMed 27102039 (cited by Labcorp Genetics (formerly Invitae), Labcorp); PubMed 30949462 (cited by Labcorp Genetics (formerly Invitae), Labcorp).

NM_004937.3(CTNS):c.433C>T (p.Gln145Ter)

Genes: CTNS-AS1 (CTNS antisense RNA 1; minus strand), CTNS (cystinosin, lysosomal cystine transporter; plus strand). Cytogenetic location: 17p13.2.
Variant type: single nucleotide variant.
Coding change: c.433C>T on transcript NM_004937.3 (MANE Select); coding-DNA position 433, C replaced by T.
Protein change: p.Gln145Ter; replaces glutamine 145 with a stop codon.
Molecular consequence: nonsense. On other transcripts: 5 prime UTR variant (4).
Genome position (GRCh38, 1-based): chr17:3,655,324, C>T. VCF-style: chr17-3655324-C-T. GRCh37 (hg19) VCF-style: chr17-3558618-C-T.
Other names: c.433C>T, p.Gln145Ter (NM_001031681.3, NM_001374492.1); c.-9C>T (NM_001374493.1, NM_001374494.1, NM_001374495.1 and 1 more transcripts); short protein forms Q145*.
Identifiers: ClinVar variation 935444 (VCV000935444.13), dbSNP rs2076101632, ClinGen allele CA397690789.